The following is an entry in ClinVar:

NM_004320.6(ATP2A1):c.2521G>A (p.Gly841Arg)

Gene: ATP2A1 (ATPase sarcoplasmic/endoplasmic reticulum Ca2+ transporting 1; plus strand). Cytogenetic location: 16p11.2.
Variant type: single nucleotide variant.
Coding change: c.2521G>A on transcript NM_004320.6 (MANE Select); coding-DNA position 2521, G replaced by A.
Protein change: p.Gly841Arg; replaces glycine 841 with arginine.
Molecular consequence: missense variant.
Genome position (GRCh38, 1-based): chr16:28,902,383, G>A. VCF-style: chr16-28902383-G-A. GRCh37 (hg19) VCF-style: chr16-28913704-G-A.
Other names: c.2521G>A (NM_173201.4); c.2146G>A, p.Gly716Arg (NM_001286075.2); c.2521G>A, p.Gly841Arg (NM_173201.5); short protein forms G716R, G841R.
Identifiers: ClinVar variation 663744 (VCV000663744.7), dbSNP rs1596687295, ClinGen allele CA395414497.
Genomic context (GRCh38, chr16:28,902,383, plus strand): 5'-CCCCGGAGCCCCAAGGAGCCCCTCATCAGTGGCTGGCTCTTCTTCCGCTACATGGCAATC[G>A]GGGGTGAGCTGGAGGGGTTCCTCGATCCTCCCCACCCCTTGGGACTAACCCCCTCTCTGG-3'
Protein context (NP_004311.1, residues 831-851): GWLFFRYMAI[Gly841Arg]GYVGAATVGA

ClinVar aggregate classification (germline): Uncertain significance. Review status: criteria provided, multiple submitters, no conflicts (2 of 4 stars). 2 submissions from 2 submitters: Uncertain significance (2). Last evaluated 2024-04-08.

Conditions:
Brody myopathy. Also called: BRODY DISEASE. Identifiers: Orphanet 53347, MedGen C1832918, MONDO:0010977, OMIM 601003.

Allele frequency attached by ClinVar (database versions not stated): gnomAD exomes below 0.00001; TOPMed below 0.00001.
gnomAD v4.1: 5 of 1,613,804 alleles (0.00031%); highest among the groups gnomAD compares: Admixed American, 0.0017%; no homozygotes.

Submissions (2):

Revvity Omics, Revvity
Classification: Uncertain significance for Brody myopathy. Last evaluated: 2024-04-08. Review status: criteria provided, single submitter. Criteria: ACMG Guidelines, 2015. Collection method: clinical testing. Allele origin: germline.

Labcorp Genetics (formerly Invitae), Labcorp
Classification: Uncertain significance for Brody myopathy. Last evaluated: 2021-08-26. Review status: criteria provided, single submitter. Criteria: Invitae Variant Classification Sherloc (09022015). Collection method: clinical testing. Allele origin: germline.
Comment: This sequence change replaces glycine with arginine at codon 841 of the ATP2A1 protein (p.Gly841Arg). The glycine residue is highly conserved and there is a moderate physicochemical difference between glycine and arginine. This variant is not present in population databases (ExAC no frequency). This variant has not been reported in the literature in individuals affected with ATP2A1-related conditions. Algorithms developed to predict the effect of missense changes on protein structure and function are either unavailable or do not agree on the potential impact of this missense change (SIFT: "Deleterious"; PolyPhen-2: "Probably Damaging"; Align-GVGD: "Class C15"). Algorithms developed to predict the effect of sequence changes on RNA splicing suggest that this variant may create or strengthen a splice site. In summary, the available evidence is currently insufficient to determine the role of this variant in disease. Therefore, it has been classified as a Variant of Uncertain Significance.